The following is an entry in ClinVar:

ClinVar aggregate classification (germline): Uncertain significance (1 of 4 stars; one submission).

Conditions:
Dyskeratosis congenita. Identifiers: Orphanet 1775, MedGen C0265965, MONDO:0015780.

gnomAD v4.1: 1 of 1,614,110 alleles (0.000062%); highest among the groups gnomAD compares: South Asian, 0.0011%; no homozygotes.

Submission:

Ambry Genetics
Classification: Uncertain significance for Dyskeratosis congenita. Last evaluated: 2025-08-07. Review status: criteria provided, single submitter. Criteria: Ambry Variant Classification Scheme 2023. Collection method: clinical testing. Allele origin: germline.
Comment: The p.R647G variant (also known as c.1939A>G), located in coding exon 4 of the TERT gene, results from an A to G substitution at nucleotide position 1939. The arginine at codon 647 is replaced by glycine, an amino acid with dissimilar properties. This amino acid position is conserved. In addition, the in silico prediction for this alteration is inconclusive. Based on the available evidence, the clinical significance of this variant remains unclear.

NM_198253.3(TERT):c.1939A>G (p.Arg647Gly)

Gene: TERT (telomerase reverse transcriptase; minus strand). Cytogenetic location: 5p15.33.
Variant type: single nucleotide variant.
Coding change: c.1939A>G on transcript NM_198253.3 (MANE Select); coding-DNA position 1939, A replaced by G.
Protein change: p.Arg647Gly; replaces arginine 647 with glycine.
Molecular consequence: missense variant. On other transcripts: non-coding transcript variant (2).
Genome position (GRCh38, 1-based): chr5:1,280,169, T>C on the plus strand (A>G on the coding strand, the complement: TERT is on the minus strand). VCF-style: chr5-1280169-T-C. GRCh37 (hg19) VCF-style: chr5-1280284-T-C.
Other names: c.1939A>G, p.Arg647Gly (NM_001193376.3); short protein forms R647G.
Identifiers: ClinVar variation 4182803 (VCV004182803.1).